The following is an entry in ClinVar:

NM_017760.7(NCAPG2):c.1572T>C (p.Asn524=)

Genes: NCAPG2 (non-SMC condensin II complex subunit G2; minus strand), LOC126860260 (MED14-independent group 3 enhancer GRCh37_chr7:158456637-158457836; plus strand). Cytogenetic location: 7q36.3.
Variant type: single nucleotide variant.
Coding change: c.1572T>C on transcript NM_017760.7 (MANE Select); coding-DNA position 1572, T replaced by C.
Protein change: p.Asn524=; no amino-acid change (asparagine 524 retained).
Molecular consequence: synonymous variant. On other transcripts: non-coding transcript variant (1).
Genome position (GRCh38, 1-based): chr7:158,664,658, A>G on the plus strand (T>C on the coding strand, the complement: NCAPG2 is on the minus strand). VCF-style: chr7-158664658-A-G. GRCh37 (hg19) VCF-style: chr7-158457350-A-G.
Other names: c.1572T>C, p.Asn524= (NM_001281932.2, NM_001281933.2).
Identifiers: ClinVar variation 768221 (VCV000768221.7), dbSNP rs115011941, ClinGen allele CA4592811.

ClinVar aggregate classification (germline): Benign. Review status: criteria provided, multiple submitters, no conflicts (2 of 4 stars). 3 submissions from 3 submitters: Benign (2). 1 of the submissions does not count toward it. Last evaluated 2019-12-31.

Conditions:
NCAPG2-related disorder. Also called: NCAPG2-related condition.

Allele frequency attached by ClinVar (database versions not stated): gnomAD exomes 0.00087 and 0.00227; ExAC 0.00281; gnomAD 0.00922 and 0.00990; ESP Exome Variant Server 0.00965; TOPMed 0.01061; 1000 Genomes Project 0.01118; 1000 Genomes Project 30x 0.01124.
gnomAD v4.1: 2,734 of 1,614,170 alleles (0.17%); highest among the groups gnomAD compares: African/African-American, 3.2%; 34 homozygotes.

Submissions (3):

Labcorp Genetics (formerly Invitae), Labcorp
Classification: Benign. Last evaluated: 2019-12-31. Review status: criteria provided, single submitter. Criteria: Invitae Variant Classification Sherloc (09022015). Collection method: clinical testing. Allele origin: germline.

Breakthrough Genomics
Classification: Benign. Review status: criteria provided, single submitter. Criteria: ACMG Guidelines, 2015. Collection method: not provided. Allele origin: germline. Inheritance: Autosomal recessive inheritance. Affected: yes.

PreventionGenetics, part of Exact Sciences
Classification: Benign for NCAPG2-related condition. Last evaluated: 2019-09-19. Review status: no assertion criteria provided. Collection method: clinical testing. Allele origin: germline. Not counted in ClinVar's aggregate classification.
Comment: This variant is classified as benign based on ACMG/AMP sequence variant interpretation guidelines (Richards et al. 2015 PMID: 25741868, with internal and published modifications).